The following is an entry in ClinVar:

NM_000096.4(CP):c.2520_2523del (p.Thr841fs)

Gene: CP (ceruloplasmin; minus strand). Cytogenetic location: 3q24.
Variant type: Deletion.
Coding change: c.2520_2523del on transcript NM_000096.4 (MANE Select); coding-DNA positions 2520 to 2523, 4 bases deleted (AACA; older notation c.2520_2523delAACA).
Protein change: p.Thr841fs; shifts the reading frame from threonine 841.
Molecular consequence: frameshift variant. On other transcripts: non-coding transcript variant (1).
Genome position (GRCh38, 1-based): chr3:149,182,036-149,182,039, TGTT deleted on the plus strand (AACA on the coding strand, the reverse complement: CP is on the minus strand); deleting any 4 consecutive bases within chr3:149,182,036-149,182,042 gives the same sequence; the c. name uses the placement nearest the transcript's 3' end. VCF-style (leftmost placement, unchanged base first): chr3-149182035-CTGTT-C. GRCh37 (hg19) VCF-style: chr3-148899822-CTGTT-C.
Other names: short protein forms T841fs.
Identifiers: ClinVar variation 2918511 (VCV002918511.3), dbSNP rs752232577, ClinGen allele CA2660741.

ClinVar aggregate classification (germline): Pathogenic (1 of 4 stars; one submission).

Conditions:
Deficiency of ferroxidase (ACEP). Also called: Deficiency of ceruloplasmin; NEURODEGENERATION WITH BRAIN IRON ACCUMULATION 10; Aceruloplasminemia; Ceruloplasmin deficiency; Familial apoceruloplasmin deficiency; Hereditary ceruloplasmin deficiency. Identifiers: Orphanet 48818, MedGen C0878682, MONDO:0011426, OMIM 604290, HP:0025498.

Submission:

Labcorp Genetics (formerly Invitae), Labcorp
Classification: Pathogenic for Deficiency of ferroxidase. Last evaluated: 2023-10-02. Review status: criteria provided, single submitter. Criteria: Invitae Variant Classification Sherloc (09022015). Collection method: clinical testing. Allele origin: germline.
Comment: This sequence change creates a premature translational stop signal (p.Thr841Argfs*52) in the CP gene. It is expected to result in an absent or disrupted protein product. Loss-of-function variants in CP are known to be pathogenic (PMID: 16629161). This variant is present in population databases (rs752232577, gnomAD 0.004%). This premature translational stop signal has been observed in individual(s) with aceruloplasminemia (PMID: 32235485). In at least one individual the data is consistent with being in trans (on the opposite chromosome) from a pathogenic variant. For these reasons, this variant has been classified as Pathogenic.

Literature cited by the submitters: PubMed 16629161; PubMed 32235485.